The following is an entry in ClinVar:

ClinVar aggregate classification (germline): Uncertain significance (1 of 4 stars; one submission).

Conditions:
Chédiak-Higashi syndrome (CHS). Also called: Chediak-Higashi Syndrome. Identifiers: Orphanet 167, MedGen C0007965, MONDO:0008963, OMIM 214500.

Submission:

Labcorp Genetics (formerly Invitae), Labcorp
Classification: Uncertain significance for Chédiak-Higashi syndrome. Last evaluated: 2025-03-12. Review status: criteria provided, single submitter. Criteria: Invitae Variant Classification Sherloc (09022015). Collection method: clinical testing. Allele origin: germline.
Comment: This sequence change replaces histidine, which is basic and polar, with proline, which is neutral and non-polar, at codon 765 of the LYST protein (p.His765Pro). This variant is not present in population databases (gnomAD no frequency). This variant has not been reported in the literature in individuals affected with LYST-related conditions. Invitae Evidence Modeling of protein sequence and biophysical properties (such as structural, functional, and spatial information, amino acid conservation, physicochemical variation, residue mobility, and thermodynamic stability) indicates that this missense variant is not expected to disrupt LYST protein function with a negative predictive value of 80%. In summary, the available evidence is currently insufficient to determine the role of this variant in disease. Therefore, it has been classified as a Variant of Uncertain Significance.

NM_000081.4(LYST):c.2294A>C (p.His765Pro)

Gene: LYST (lysosomal trafficking regulator; minus strand). Cytogenetic location: 1q42.3.
Variant type: single nucleotide variant.
Coding change: c.2294A>C on transcript NM_000081.4 (MANE Select); coding-DNA position 2294, A replaced by C.
Protein change: p.His765Pro; replaces histidine 765 with proline.
Molecular consequence: missense variant.
Genome position (GRCh38, 1-based): chr1:235,808,524, T>G on the plus strand (A>C on the coding strand, the complement: LYST is on the minus strand). VCF-style: chr1-235808524-T-G. GRCh37 (hg19) VCF-style: chr1-235971824-T-G.
Other names: c.2294A>C, p.His765Pro (NM_001301365.1); short protein forms H765P.
Identifiers: ClinVar variation 4745176 (VCV004745176.1).
Genomic context (GRCh38, chr1:235,808,524, plus strand): 5'-AGCAGGATAGGCAGAGTTTTTACATAAATCTGAAGCACGTCCTGAGGCAAGCACTGGTTA[T>G]GATGGCTACATACATGACTTTGAGCTGAAGTAACGCTTAGGTGTTGACAATGATGTGCTA-3'
Protein context (NP_000072.2, residues 755-775): TSAQSHVCSH[His765Pro]NQCLPQDVLQ